The following is an entry in ClinVar:

NM_004385.5(VCAN):c.1351G>C (p.Asp451His)

Gene: VCAN (versican; plus strand). Cytogenetic location: 5q14.3.
Variant type: single nucleotide variant.
Coding change: c.1351G>C on transcript NM_004385.5 (MANE Select); coding-DNA position 1351, G replaced by C.
Protein change: p.Asp451His; replaces aspartic acid 451 with histidine.
Molecular consequence: missense variant. On other transcripts: intron variant (2).
Genome position (GRCh38, 1-based): chr5:83,519,657, G>C. VCF-style: chr5-83519657-G-C. GRCh37 (hg19) VCF-style: chr5-82815476-G-C.
Other names: c.1351G>C, p.Asp451His (NM_001164098.2); c.1042+7261G>C (NM_001164097.2, NM_001126336.3); short protein forms D451H.
Identifiers: ClinVar variation 2175482 (VCV002175482.4), dbSNP rs2479047289, ClinGen allele CA360299925.
Genomic context (GRCh38, chr5:83,519,657, plus strand): 5'-AAGAAGCCCTGGGATATGGATGACTACTCACCTTCTGCTTCAGGACCTCTTGGAAAGCTA[G>C]ACATATCAGAAATTAAGGAAGAAGTGCTCCAGAGTACAACTGGCGTCTCTCATTATGCTA-3'
Protein context (NP_004376.2, residues 441-461): PSASGPLGKL[Asp451His]ISEIKEEVLQ

ClinVar aggregate classification (germline): Uncertain significance (1 of 4 stars; one submission).

Allele frequency attached by ClinVar (database versions not stated): gnomAD exomes below 0.00001.
gnomAD v4.1: 1 of 1,614,142 alleles (0.000062%); highest among the groups gnomAD compares: South Asian, 0.0011%; no homozygotes.

Submission:

Labcorp Genetics (formerly Invitae), Labcorp
Classification: Uncertain significance. Last evaluated: 2025-09-18. Review status: criteria provided, single submitter. Criteria: Invitae Variant Classification Sherloc (09022015). Collection method: clinical testing. Allele origin: germline.
Comment: This sequence change replaces aspartic acid, which is acidic and polar, with histidine, which is basic and polar, at codon 451 of the VCAN protein (p.Asp451His). This variant is not present in population databases (gnomAD no frequency). This variant has not been reported in the literature in individuals affected with VCAN-related conditions. ClinVar contains an entry for this variant (Variation ID: 2175482). An algorithm developed to predict the effect of missense changes on protein structure and function (PolyPhen-2) suggests that this variant is likely to be disruptive. In summary, the available evidence is currently insufficient to determine the role of this variant in disease. Therefore, it has been classified as a Variant of Uncertain Significance.